The following is an entry in ClinVar:

NM_014476.6(PDLIM3):c.331-513A>G

Genes: PDLIM3 (PDZ and LIM domain 3; minus strand), LOC126807246 (BRD4-independent group 4 enhancer GRCh37_chr4:186434842-186436041; plus strand). Cytogenetic location: 4q35.1.
Variant type: single nucleotide variant.
Coding change: c.331-513A>G on transcript NM_014476.6 (MANE Select); 513 bases into the intron before coding-DNA position 331, A replaced by G.
Molecular consequence: intron variant. On other transcripts: missense variant (1).
Genome position (GRCh38, 1-based): chr4:185,514,850, T>C on the plus strand (A>G on the coding strand, the complement: PDLIM3 is on the minus strand). VCF-style: chr4-185514850-T-C. GRCh37 (hg19) VCF-style: chr4-186436004-T-C.
Other names: c.371A>G, p.Gln124Arg (NM_001114107.5); c.94-513A>G (NM_001257963.2); c.331-513A>G (NM_001257962.2); short protein forms Q124R.
Identifiers: ClinVar variation 2501731 (VCV002501731.1), dbSNP rs528741387, ClinGen allele CA3159837.
Genomic context (GRCh38, chr4:185,514,850, plus strand): 5'-TTATAGGAAGCGCTCACTACCTGTCTTTTGTCATCAATGTTTGCAGCTGCAACAAAAGGC[T>C]GGGCCCTTCTGTTGTGCGCGGTACCAATGGGTTTGAATTCCTGTACAATGGCAGACAAAA-3'

ClinVar aggregate classification (germline): Uncertain significance (1 of 4 stars; one submission).

Allele frequency attached by ClinVar (database versions not stated): gnomAD exomes 0.00003; ExAC 0.00009; gnomAD 0.00042; 1000 Genomes Project 30x 0.00047; TOPMed 0.00051; 1000 Genomes Project 0.00060.
gnomAD v4.1: 113 of 1,551,724 alleles (0.0073%); highest among the groups gnomAD compares: African/African-American, 0.14%; 1 homozygote.

Submission:

Center for Genomics, Ann and Robert H. Lurie Children's Hospital of Chicago
Classification: Uncertain significance. Last evaluated: 2021-03-30. Review status: criteria provided, single submitter. Criteria: ACMG Guidelines, 2015. Collection method: clinical testing. Allele origin: germline.
Comment: PDLIM3 NM_001114107.4 exon 4 p.Gln124Arg (c.371A>G): This variant has not been reported in the literature and is present in 0.1% (19/16644) of African alleles in the Genome Aggregation Database. Evolutionary conservation and computational predictive tools suggest that this variant may not impact the protein. In summary, data on this variant is insufficient for disease classification. Therefore, the clinical significance of this variant is uncertain.